The following is an entry in ClinVar:

NM_001134407.3(GRIN2A):c.1116_1118delinsCGT (p.Trp372_Glu373delinsCysVal)

Gene: GRIN2A (glutamate ionotropic receptor NMDA type subunit 2A; minus strand). Cytogenetic location: 16p13.2.
Variant type: Indel.
Coding change: c.1116_1118delinsCGT on transcript NM_001134407.3 (MANE Select); coding-DNA positions 1116 to 1118, GGA replaced by CGT.
Protein change: p.Trp372_Glu373delinsCysVal.
Molecular consequence: missense variant.
Genome position (GRCh38, 1-based): chr16:9,890,990-9,890,992, TCC replaced by ACG on the plus strand (GGA replaced by CGT on the coding strand, the reverse complement: GRIN2A is on the minus strand). VCF-style: chr16-9890990-TCC-ACG. GRCh37 (hg19) VCF-style: chr16-9984847-TCC-ACG.
Other names: c.1116_1118delinsCGT, p.Trp372_Glu373delinsCysVal (NM_000833.5, NM_001134408.2).
Identifiers: ClinVar variation 1706217 (VCV001706217.3), dbSNP rs2542989404, ClinGen allele CA2580092096.

ClinVar aggregate classification (germline): Uncertain significance (1 of 4 stars; one submission).

Submission:

GeneDx
Classification: Uncertain significance. Last evaluated: 2022-10-07. Review status: criteria provided, single submitter. Criteria: GeneDx Variant Classification Process June 2021. Collection method: clinical testing. Allele origin: germline.
Comment: Not observed at significant frequency in large population cohorts (gnomAD); In silico analysis supports a deleterious effect on protein structure/function; Has not been previously published as pathogenic or benign to our knowledge